The following is an entry in ClinVar:

NM_001349338.3(FOXP1):c.1967A>T (p.Asn656Ile)

Gene: FOXP1 (forkhead box P1; minus strand). Cytogenetic location: 3p13.
Variant type: single nucleotide variant.
Coding change: c.1967A>T on transcript NM_001349338.3 (MANE Select); coding-DNA position 1967, A replaced by T.
Protein change: p.Asn656Ile; replaces asparagine 656 with isoleucine.
Molecular consequence: missense variant. On other transcripts: non-coding transcript variant (2).
Genome position (GRCh38, 1-based): chr3:70,959,314, T>A on the plus strand (A>T on the coding strand, the complement: FOXP1 is on the minus strand). VCF-style: chr3-70959314-T-A. GRCh37 (hg19) VCF-style: chr3-71008465-T-A.
Other names: c.1964A>T, p.Asn655Ile (NM_001244808.3, NM_001349341.3); c.2015A>T, p.Asn672Ile (NM_001244810.2); c.1739A>T, p.Asn580Ile (NM_001244812.3); c.1667A>T, p.Asn556Ile (NM_001244813.3, NM_001244815.2, NM_001349342.3); c.1967A>T, p.Asn656Ile (NM_001244814.3, NM_001244816.2, NM_001349340.3 and 1 more transcripts); c.1664A>T, p.Asn555Ile (NM_001349337.2, NM_001349343.3, NM_001349344.3 and 1 more transcripts); short protein forms N580I, N555I, N556I, N655I, N656I, N672I.
Identifiers: ClinVar variation 4745869 (VCV004745869.1).
Genomic context (GRCh38, chr3:70,959,314, plus strand): 5'-ATGTCCTCGTTTACTGGTTCATCTTCGTAATCTCTGTCATGGTCAAAATCTGGACTGTGG[T>A]TGGCTGTTGTCACTAAGGACAGGGGCCCTTCAGCTTCCTCTGGATCGAGGGGCTCTTCTT-3'
Protein context (NP_001336267.1, residues 646-666): EGPLSLVTTA[Asn656Ile]HSPDFDHDRD

ClinVar aggregate classification (germline): Uncertain significance (1 of 4 stars; one submission).

Submission:

Labcorp Genetics (formerly Invitae), Labcorp
Classification: Uncertain significance. Last evaluated: 2025-05-07. Review status: criteria provided, single submitter. Criteria: Invitae Variant Classification Sherloc (09022015). Collection method: clinical testing. Allele origin: germline.
Comment: This sequence change replaces asparagine, which is neutral and polar, with isoleucine, which is neutral and non-polar, at codon 656 of the FOXP1 protein (p.Asn656Ile). This variant is not present in population databases (gnomAD no frequency). This variant has not been reported in the literature in individuals affected with FOXP1-related conditions. Invitae Evidence Modeling of protein sequence and biophysical properties (such as structural, functional, and spatial information, amino acid conservation, physicochemical variation, residue mobility, and thermodynamic stability) has been performed for this missense variant. However, the output from this modeling did not meet the statistical confidence thresholds required to predict the impact of this variant on FOXP1 protein function. In summary, the available evidence is currently insufficient to determine the role of this variant in disease. Therefore, it has been classified as a Variant of Uncertain Significance.